The following is an entry in ClinVar:

NM_004655.4(AXIN2):c.2174A>G (p.Asn725Ser)

Gene: AXIN2 (axin 2; minus strand). Cytogenetic location: 17q24.1.
Variant type: single nucleotide variant.
Coding change: c.2174A>G on transcript NM_004655.4 (MANE Select); coding-DNA position 2174, A replaced by G.
Protein change: p.Asn725Ser; replaces asparagine 725 with serine.
Molecular consequence: missense variant.
Genome position (GRCh38, 1-based): chr17:65,535,689, T>C on the plus strand (A>G on the coding strand, the complement: AXIN2 is on the minus strand). VCF-style: chr17-65535689-T-C. GRCh37 (hg19) VCF-style: chr17-63531807-T-C.
Other names: c.1979A>G, p.Asn660Ser (NM_001363813.1); c.2174A>G (LRG_296t1); short protein forms N725S, N660S.
Identifiers: ClinVar variation 421286 (VCV000421286.4), dbSNP rs533243256, ClinGen allele CA16620561.
Genomic context (GRCh38, chr17:65,535,689, plus strand): 5'-TCTGGAGCCAGGCTTGGATTGGAGAAGGGTGTGGCTCCCGTCTGAACAGTGGCCGAATGA[T>C]TCCTGTCCCTCTGCTGACTGGCCACACAGCACCTGAGGACACAGCCAGGGCGAGGGATTT-3'
Protein context (NP_004646.3, residues 715-735): CCVASQQRDR[Asn725Ser]HSATVQTGAT

ClinVar aggregate classification (germline): Uncertain significance. Review status: criteria provided, multiple submitters, no conflicts (2 of 4 stars). 2 submissions from 2 submitters: Uncertain significance (2). Last evaluated 2023-06-29.

Conditions:
Hereditary cancer-predisposing syndrome. Also called: Hereditary neoplastic syndrome; Tumor predisposition; Neoplastic Syndromes, Hereditary; Hereditary Cancer Syndrome. Identifiers: Orphanet 140162, MedGen C0027672, MeSH D009386, MONDO:0015356.

Submissions (2):

Ambry Genetics
Classification: Uncertain significance for Hereditary cancer-predisposing syndrome. Last evaluated: 2023-06-29. Review status: criteria provided, single submitter. Criteria: Ambry Variant Classification Scheme 2023. Collection method: clinical testing. Allele origin: germline.
Comment: The p.N725S variant (also known as c.2174A>G), located in coding exon 8 of the AXIN2 gene, results from an A to G substitution at nucleotide position 2174. The asparagine at codon 725 is replaced by serine, an amino acid with highly similar properties. This amino acid position is not well conserved in available vertebrate species. In addition, this alteration is predicted to be tolerated by in silico analysis. Since supporting evidence is limited at this time, the clinical significance of this alteration remains unclear.

GeneDx
Classification: Uncertain significance. Last evaluated: 2016-05-25. Review status: criteria provided, single submitter. Criteria: GeneDx Variant Classification (06012015). Collection method: clinical testing. Allele origin: germline. Affected: yes.
Comment: This variant is denoted AXIN2 c.2174A>G at the cDNA level, p.Asn725Ser (N725S) at the protein level, and results in the change of an Asparagine to a Serine (AAT>AGT). This variant has not, to our knowledge, been published in the literature as pathogenic or benign. AXIN2 Asn725Ser was not observed in approximately 6,500 individuals of European and African American ancestry in the NHLBI Exome Sequencing Project, suggesting it is not a common benign variant in these populations. Since Asparagine and Serine share similar properties, this is considered a conservative amino acid substitution. AXIN2 Asn725Ser occurs at a position where amino acids with properties similar to Asparagine are tolerated across species and is not located in a known functional domain (Hughes 2007). In silico analyses predict that this variant is unlikely to alter protein structure or function. Based on currently available evidence, it is unclear whether AXIN2 Asn725Ser is a pathogenic or benign variant. We consider it to be a variant of uncertain significance.